The following is an entry in ClinVar:

NM_000124.4(ERCC6):c.3430G>A (p.Asp1144Asn)

Gene: ERCC6 (ERCC excision repair 6, chromatin remodeling factor; minus strand). Cytogenetic location: 10q11.23.
Variant type: single nucleotide variant.
Coding change: c.3430G>A on transcript NM_000124.4 (MANE Select); coding-DNA position 3430, G replaced by A.
Protein change: p.Asp1144Asn; replaces aspartic acid 1144 with asparagine.
Molecular consequence: missense variant.
Genome position (GRCh38, 1-based): chr10:49,470,530, C>T on the plus strand (G>A on the coding strand, the complement: ERCC6 is on the minus strand). VCF-style: chr10-49470530-C-T. GRCh37 (hg19) VCF-style: chr10-50678576-C-T.
Other names: c.3430G>A, p.Asp1144Asn (NM_001346440.2); short protein forms D1144N.
Identifiers: ClinVar variation 2153891 (VCV002153891.1), dbSNP rs1275630513, ClinGen allele CA376714916.

ClinVar aggregate classification (germline): Uncertain significance (1 of 4 stars; one submission).

Allele frequency attached by ClinVar (database versions not stated): gnomAD exomes below 0.00001; TOPMed 0.00001.
gnomAD v4.1: 1 of 1,614,204 alleles (0.000062%); highest among the groups gnomAD compares: Non-Finnish European, 0.000085%; no homozygotes.

Submission:

Labcorp Genetics (formerly Invitae), Labcorp
Classification: Uncertain significance. Last evaluated: 2022-01-03. Review status: criteria provided, single submitter. Criteria: Invitae Variant Classification Sherloc (09022015). Collection method: clinical testing. Allele origin: germline.
Comment: This sequence change replaces aspartic acid, which is acidic and polar, with asparagine, which is neutral and polar, at codon 1144 of the ERCC6 protein (p.Asp1144Asn). This variant is not present in population databases (gnomAD no frequency). This variant has not been reported in the literature in individuals affected with ERCC6-related conditions. Algorithms developed to predict the effect of missense changes on protein structure and function are either unavailable or do not agree on the potential impact of this missense change (SIFT: "Deleterious"; PolyPhen-2: "Benign"; Align-GVGD: "Class C0"). In summary, the available evidence is currently insufficient to determine the role of this variant in disease. Therefore, it has been classified as a Variant of Uncertain Significance.